The following is an entry in ClinVar:

ClinVar aggregate classification (germline): Conflicting classifications of pathogenicity. Review status: criteria provided, conflicting classifications (1 of 4 stars). 6 submissions from 6 submitters: Uncertain significance (2); Likely benign (4). Last evaluated 2026-01-18.

Conditions:
Ehlers-Danlos syndrome, type 4 (EDSVASC). Also called: Ehlers-Danlos Syndrome Type IV; Ehlers-Danlos syndrome vascular type; Ehlers Danlos syndrome, ecchymotic type; Ehlers Danlos syndrome, arterial type; Ehlers Danlos syndrome, Sack-Barabas type. Identifiers: Orphanet 286, MedGen C0268338, MONDO:0017314, OMIM 130050.
Familial thoracic aortic aneurysm and aortic dissection (TAAD). Also called: Thoracic aortic aneurysms and dissections. Identifiers: Orphanet 91387, MedGen C4707243, MONDO:0019625.

Allele frequency attached by ClinVar (database versions not stated): gnomAD exomes 0.00004; ExAC 0.00005; ESP Exome Variant Server 0.00008; gnomAD 0.00009; TOPMed 0.00011; 1000 Genomes Project 0.00040; 1000 Genomes Project 30x 0.00047.
gnomAD v4.1: 46 of 1,614,132 alleles (0.0028%); highest among the groups gnomAD compares: African/African-American, 0.033%; no homozygotes.

Submissions (6):

Labcorp Genetics (formerly Invitae), Labcorp
Classification: Uncertain significance for Ehlers-Danlos syndrome, type 4. Last evaluated: 2026-01-18. Review status: criteria provided, single submitter. Criteria: Invitae Variant Classification Sherloc (09022015). Collection method: clinical testing. Allele origin: germline.
Comment: This sequence change replaces aspartic acid, which is acidic and polar, with asparagine, which is neutral and polar, at codon 1232 of the COL3A1 protein (p.Asp1232Asn). This variant is present in population databases (rs147663769, gnomAD 0.02%). This variant has not been reported in the literature in individuals affected with COL3A1-related conditions. ClinVar contains an entry for this variant (Variation ID: 333067). Invitae Evidence Modeling of protein sequence and biophysical properties (such as structural, functional, and spatial information, amino acid conservation, physicochemical variation, residue mobility, and thermodynamic stability) indicates that this missense variant is not expected to disrupt COL3A1 protein function with a negative predictive value of 95%. In summary, the available evidence is currently insufficient to determine the role of this variant in disease. Therefore, it has been classified as a Variant of Uncertain Significance.

Ambry Genetics
Classification: Likely benign for Familial thoracic aortic aneurysm and aortic dissection. Last evaluated: 2025-11-04. Review status: criteria provided, single submitter. Criteria: Ambry Variant Classification Scheme 2023. Collection method: clinical testing. Allele origin: germline.

Color Diagnostics, LLC DBA Color Health
Classification: Likely benign for Familial thoracic aortic aneurysm and aortic dissection. Last evaluated: 2025-06-11. Review status: criteria provided, single submitter. Criteria: ACMG Guidelines, 2015. Collection method: clinical testing. Allele origin: germline.

All of Us Research Program, National Institutes of Health
Classification: Uncertain significance for Ehlers-Danlos syndrome, type 4. Last evaluated: 2024-09-23. Review status: criteria provided, single submitter. Criteria: ACMG Guidelines, 2015. Collection method: clinical testing. Allele origin: germline. Inheritance: Autosomal dominant inheritance. Observed: 11 variant alleles, 11 heterozygotes.
Comment: This missense variant replaces aspartic acid with asparagine at codon 1232 of the COL3A1 protein. Computational prediction suggests that this variant may not impact protein structure and function (internally defined REVEL score threshold <= 0.5, PMID: 27666373). To our knowledge, functional studies have not been reported for this variant. This variant has not been reported in individuals affected with cardiovascular disorders in the literature. This variant has been identified in 12/282776 chromosomes in the general population by the Genome Aggregation Database (gnomAD). The available evidence is insufficient to determine the role of this variant in disease conclusively. Therefore, this variant is classified as a Variant of Uncertain Significance.

This study involves interpretation of variants in research participants for the purpose of population health screening. Participant phenotype was not available at the time of variant classification. Additional details can be found in publication PMID: 35346344, PMCID: PMC8962531

Women's Health and Genetics/Laboratory Corporation of America, LabCorp
Classification: Likely benign. Last evaluated: 2024-09-23. Review status: criteria provided, single submitter. Criteria: LabCorp Variant Classification Summary - May 2015. Collection method: clinical testing. Allele origin: germline.
Comment: Variant summary: COL3A1 c.3694G>A (p.Asp1232Asn) results in a conservative amino acid change located in the Fibrillar collagen, C-terminal domain (IPR000885) of the encoded protein sequence. Five of five in-silico tools predict a benign effect of the variant on protein function. The variant allele was found at a frequency of 4.4e-05 in 251376 control chromosomes (gnomAD). The observed variant frequency is approximately 29 fold of the estimated maximal expected allele frequency for a pathogenic variant in COL3A1 causing Ehlers-Danlos Syndrome, Vascular Type phenotype (1.5e-06). To our knowledge, no occurrence of c.3694G>A in individuals affected with Ehlers-Danlos Syndrome, Vascular Type and no experimental evidence demonstrating its impact on protein function have been reported. ClinVar contains an entry for this variant (Variation ID: 333067). Based on the evidence outlined above, the variant was classified as likely benign.

Blueprint Genetics
Classification: Likely benign. Last evaluated: 2021-04-12. Review status: criteria provided, single submitter. Criteria: ACMG Guidelines, 2015. Collection method: clinical testing. Allele origin: germline.

Literature cited by the submitters: PubMed 28518168 (cited by Ambry Genetics); PubMed 32461654 (cited by Ambry Genetics).

NM_000090.4(COL3A1):c.3694G>A (p.Asp1232Asn)

Gene: COL3A1 (collagen type III alpha 1 chain; plus strand). Cytogenetic location: 2q32.2.
Variant type: single nucleotide variant.
Coding change: c.3694G>A on transcript NM_000090.4 (MANE Select); coding-DNA position 3694, G replaced by A.
Protein change: p.Asp1232Asn; replaces aspartic acid 1232 with asparagine.
Molecular consequence: missense variant.
Genome position (GRCh38, 1-based): chr2:189,009,092, G>A. VCF-style: chr2-189009092-G-A. GRCh37 (hg19) VCF-style: chr2-189873818-G-A.
Other names: short protein forms D1232N.
Identifiers: ClinVar variation 333067 (VCV000333067.27), dbSNP rs147663769, ClinGen allele CA076243.